The following is an entry in ClinVar:

NM_001458.5(FLNC):c.175dup (p.Asp59fs)

Gene: FLNC (filamin C; plus strand). Cytogenetic location: 7q32.1.
Variant type: Duplication.
Coding change: c.175dup on transcript NM_001458.5 (MANE Select); coding-DNA position 175, one base duplicated (G; older notation c.175dupG).
Protein change: p.Asp59fs; shifts the reading frame from aspartic acid 59.
Molecular consequence: frameshift variant.
Genome position (GRCh38, 1-based): chr7:128,830,812, G duplicated. VCF-style (leftmost placement, unchanged base first): chr7-128830811-C-CG. GRCh37 (hg19) VCF-style: chr7-128470865-C-CG.
Other names: c.175dup, p.Asp59fs (NM_001127487.2); short protein forms D59fs.
Identifiers: ClinVar variation 2944589 (VCV002944589.3), dbSNP rs2536605299, ClinGen allele CA2740097527.
Genomic context (GRCh38, chr7:128,830,811, plus strand): 5'-GCAGAACACATTCACGCGCTGGTGCAATGAGCACCTCAAGTGCGTGGGCAAGCGCCTGAC[C>CG]GACCTGCAGCGCGACCTCAGCGACGGGCTCCGGCTCATCGCGCTGCTCGAGGTGCTCAGC-3'

ClinVar aggregate classification (germline): Pathogenic (1 of 4 stars; one submission).

Conditions:
Myofibrillar myopathy 5. Also called: Filaminopathy (type); FILAMINOPATHY, AUTOSOMAL DOMINANT. Identifiers: Orphanet 171445, MedGen C1836050, MONDO:0012289, OMIM 609524.
Hypertrophic cardiomyopathy 26. Also called: Cardiomyopathy, familial hypertrophic, 26. Identifiers: Orphanet 75249, MedGen C4310749, MONDO:0014883, OMIM 617047.
Distal myopathy with posterior leg and anterior hand involvement. Also called: WILLIAMS DISTAL MYOPATHY. Identifiers: Orphanet 63273, MedGen C3279722, MONDO:0013550, OMIM 614065.

Submission:

Labcorp Genetics (formerly Invitae), Labcorp
Classification: Pathogenic for Distal myopathy with posterior leg and anterior hand involvement; Myofibrillar myopathy 5; Hypertrophic cardiomyopathy 26. Last evaluated: 2023-02-21. Review status: criteria provided, single submitter. Criteria: Invitae Variant Classification Sherloc (09022015). Collection method: clinical testing. Allele origin: germline.
Comment: For these reasons, this variant has been classified as Pathogenic. This variant has not been reported in the literature in individuals affected with FLNC-related conditions. This variant is not present in population databases (gnomAD no frequency). This sequence change creates a premature translational stop signal (p.Asp59Glyfs*93) in the FLNC gene. It is expected to result in an absent or disrupted protein product. Loss-of-function variants in FLNC are known to be pathogenic (PMID: 27908349).

Literature cited by the submitters: PubMed 27908349.